The following is an entry in ClinVar:

NM_014946.4(SPAST):c.1591C>T (p.Gln531Ter)

Gene: SPAST (spastin; plus strand). Cytogenetic location: 2p22.3.
Variant type: single nucleotide variant.
Coding change: c.1591C>T on transcript NM_014946.4 (MANE Select); coding-DNA position 1591, C replaced by T.
Protein change: p.Gln531Ter; replaces glutamine 531 with a stop codon.
Molecular consequence: nonsense.
Genome position (GRCh38, 1-based): chr2:32,143,390, C>T. VCF-style: chr2-32143390-C-T. GRCh37 (hg19) VCF-style: chr2-32368459-C-T.
Other names: c.1588C>T, p.Gln530Ter (NM_001363823.2); c.1492C>T, p.Gln498Ter (NM_001363875.2); c.1495C>T, p.Gln499Ter (NM_001377959.1, NM_199436.2); short protein forms Q498*, Q499*, Q530*, Q531*.
Identifiers: ClinVar variation 988975 (VCV000988975.7), dbSNP rs2148759447, ClinGen allele CA346503809.

ClinVar aggregate classification (germline): Pathogenic. Review status: criteria provided, multiple submitters, no conflicts (2 of 4 stars). 2 submissions from 2 submitters: Pathogenic (2). Last evaluated 2022-08-03.

Conditions:
Hereditary spastic paraplegia 4. Also called: Spastic paraplegia 4, autosomal dominant; Spastic Paraplegia 4; Familial spastic paraplegia autosomal dominant 2. Identifiers: Orphanet 100985, MedGen C1866855, MONDO:0008438, OMIM 182601.

Submissions (2):

Labcorp Genetics (formerly Invitae), Labcorp
Classification: Pathogenic for Hereditary spastic paraplegia 4. Last evaluated: 2022-08-03. Review status: criteria provided, single submitter. Criteria: Invitae Variant Classification Sherloc (09022015). Collection method: clinical testing. Allele origin: germline.
Comment: This sequence change creates a premature translational stop signal (p.Gln531*) in the SPAST gene. It is expected to result in an absent or disrupted protein product. Loss-of-function variants in SPAST are known to be pathogenic (PMID: 20932283). This variant is not present in population databases (gnomAD no frequency). This variant has not been reported in the literature in individuals affected with SPAST-related conditions. ClinVar contains an entry for this variant (Variation ID: 988975). For these reasons, this variant has been classified as Pathogenic.

Paris Brain Institute, Inserm - ICM
Classification: Pathogenic for Hereditary spastic paraplegia 4. Review status: criteria provided, single submitter. Criteria: ACMG Guidelines, 2015. Collection method: clinical testing. Allele origin: unknown. Affected: yes. Observed: 1 variant allele.

Literature cited by the submitters: PubMed 20932283 (cited by Labcorp Genetics (formerly Invitae), Labcorp).